The following is an entry in ClinVar:

NM_001375405.1(CEP120):c.1039-2A>T

Gene: CEP120 (centrosomal protein 120; minus strand). Cytogenetic location: 5q23.2.
Variant type: single nucleotide variant.
Coding change: c.1039-2A>T on transcript NM_001375405.1 (MANE Select); the canonical splice acceptor site of the intron before coding-DNA position 1039, A replaced by T.
Molecular consequence: splice acceptor variant. On other transcripts: non-coding transcript variant (1), intron variant (1).
Genome position (GRCh38, 1-based): chr5:123,390,142, T>A on the plus strand (A>T on the coding strand, the complement: CEP120 is on the minus strand). VCF-style: chr5-123390142-T-A. GRCh37 (hg19) VCF-style: chr5-122725836-T-A.
Other names: c.961-2A>T (NM_001166226.2); c.1039-2A>T (NM_153223.4, NM_001375407.1); c.466-2A>T (NM_001375408.1, NM_001375409.1); c.1039-137A>T (NM_001375406.1).
Identifiers: ClinVar variation 1466157 (VCV001466157.8), dbSNP rs774440370, ClinGen allele CA3387064.

ClinVar aggregate classification (germline): Likely pathogenic (1 of 4 stars; one submission).

Conditions:
Short-rib thoracic dysplasia 13 with or without polydactyly (SRTD13). Identifiers: Orphanet 474, MedGen C4225378, MONDO:0014577, OMIM 616300.

Allele frequency attached by ClinVar (database versions not stated): TOPMed below 0.00001; gnomAD exomes 0.00003; ExAC 0.00004.

Submission:

Labcorp Genetics (formerly Invitae), Labcorp
Classification: Likely pathogenic for Short-rib thoracic dysplasia 13 with or without polydactyly. Last evaluated: 2022-11-01. Review status: criteria provided, single submitter. Criteria: Invitae Variant Classification Sherloc (09022015). Collection method: clinical testing. Allele origin: germline.
Comment: In summary, the currently available evidence indicates that the variant is pathogenic, but additional data are needed to prove that conclusively. Therefore, this variant has been classified as Likely Pathogenic. Algorithms developed to predict the effect of sequence changes on RNA splicing suggest that this variant may disrupt the consensus splice site. ClinVar contains an entry for this variant (Variation ID: 1466157). This variant has not been reported in the literature in individuals affected with CEP120-related conditions. This variant is present in population databases (rs774440370, gnomAD 0.003%). This sequence change affects an acceptor splice site in intron 8 of the CEP120 gene. It is expected to disrupt RNA splicing. Variants that disrupt the donor or acceptor splice site typically lead to a loss of protein function (PMID: 16199547), and loss-of-function variants in CEP120 are known to be pathogenic (PMID: 25251415, 27208211).

Literature cited by the submitters: PubMed 16199547; PubMed 25251415; PubMed 27208211.